The following is an entry in ClinVar:

ClinVar aggregate classification (germline): Likely benign. Review status: criteria provided, multiple submitters, no conflicts (2 of 4 stars). 5 submissions from 5 submitters: Likely benign (4). 1 of the submissions does not count toward it. Last evaluated 2026-01-12.

Conditions:
Inborn genetic diseases. Identifiers: MedGen C0950123, MeSH D030342.
C2CD3-related disorder. Also called: C2CD3-related condition.

Allele frequency attached by ClinVar (database versions not stated): 1000 Genomes Project 30x 0.00094; 1000 Genomes Project 0.00100; TOPMed 0.00156; gnomAD 0.00182 and 0.00187; ESP Exome Variant Server 0.00216; gnomAD exomes 0.00219 and 0.00290; ExAC 0.00258.
gnomAD v4.1: 4,428 of 1,613,380 alleles (0.27%); highest among the groups gnomAD compares: Non-Finnish European, 0.35%; 14 homozygotes.

Submissions (5):

Labcorp Genetics (formerly Invitae), Labcorp
Classification: Likely benign. Last evaluated: 2026-01-12. Review status: criteria provided, single submitter. Criteria: Invitae Variant Classification Sherloc (09022015). Collection method: clinical testing. Allele origin: germline.

Blueprint Genetics
Classification: Likely benign. Last evaluated: 2024-11-13. Review status: criteria provided, single submitter. Criteria: ACMG Guidelines, 2015. Collection method: clinical testing. Allele origin: germline.

CeGaT Center for Human Genetics Tuebingen
Classification: Likely benign. Last evaluated: 2024-05-01. Review status: criteria provided, single submitter. Criteria: CeGaT Center For Human Genetics Tuebingen Variant Classification Criteria Version 2. Collection method: clinical testing. Allele origin: germline. Affected: yes. Observed: 4 variant alleles.
Comment: C2CD3: BP4, BS2

Ambry Genetics
Classification: Likely benign for Inborn genetic diseases. Last evaluated: 2021-08-16. Review status: criteria provided, single submitter. Criteria: Ambry Variant Classification Scheme 2023. Collection method: clinical testing. Allele origin: germline.

PreventionGenetics, part of Exact Sciences
Classification: Likely benign for C2CD3-related condition. Last evaluated: 2022-08-12. Review status: no assertion criteria provided. Collection method: clinical testing. Allele origin: germline. Not counted in ClinVar's aggregate classification.
Comment: This variant is classified as likely benign based on ACMG/AMP sequence variant interpretation guidelines (Richards et al. 2015 PMID: 25741868, with internal and published modifications).

NM_001286577.2(C2CD3):c.520G>A (p.Asp174Asn)

Gene: C2CD3 (C2 domain containing 3 centriole elongation regulator; minus strand). Cytogenetic location: 11q13.4.
Variant type: single nucleotide variant.
Coding change: c.520G>A on transcript NM_001286577.2 (MANE Select); coding-DNA position 520, G replaced by A.
Protein change: p.Asp174Asn; replaces aspartic acid 174 with asparagine.
Molecular consequence: missense variant.
Genome position (GRCh38, 1-based): chr11:74,139,792, C>T on the plus strand (G>A on the coding strand, the complement: C2CD3 is on the minus strand). VCF-style: chr11-74139792-C-T. GRCh37 (hg19) VCF-style: chr11-73850837-C-T.
Other names: c.520G>A, p.Asp174Asn (NM_015531.6); c.520G>A (NM_015531.4); short protein forms D174N.
Identifiers: ClinVar variation 785816 (VCV000785816.36), dbSNP rs151308158, ClinGen allele CA6183194.